The following is an entry in ClinVar:

NM_001291303.3(FAT4):c.10070T>C (p.Ile3357Thr)

Gene: FAT4 (FAT atypical cadherin 4; plus strand). Cytogenetic location: 4q28.1.
Variant type: single nucleotide variant.
Coding change: c.10070T>C on transcript NM_001291303.3 (MANE Select); coding-DNA position 10070, T replaced by C.
Protein change: p.Ile3357Thr; replaces isoleucine 3357 with threonine.
Molecular consequence: missense variant.
Genome position (GRCh38, 1-based): chr4:125,451,080, T>C. VCF-style: chr4-125451080-T-C. GRCh37 (hg19) VCF-style: chr4-126372235-T-C.
Other names: c.10070T>C, p.Ile3357Thr (NM_001291285.3); c.10064T>C, p.Ile3355Thr (NM_024582.6); short protein forms I3357T, I3355T.
Identifiers: ClinVar variation 2842182 (VCV002842182.3), dbSNP rs2530908062, ClinGen allele CA358157211.
Genomic context (GRCh38, chr4:125,451,080, plus strand): 5'-ATTTGATTTTTGGTAATAGTCGAAAGAAGGGTTTCCAGATCAATAAGAAGACTGGACAGA[T>C]TTATGTTTCTGGAATTCTTGATCGAGAAAAAGAAGAAAGGGTGTCTTTGAAGGTATTGGC-3'
Protein context (NP_001278232.1, residues 3347-3367): GFQINKKTGQ[Ile3357Thr]YVSGILDREK

ClinVar aggregate classification (germline): Uncertain significance (1 of 4 stars; one submission).

Submission:

Labcorp Genetics (formerly Invitae), Labcorp
Classification: Uncertain significance. Last evaluated: 2023-03-02. Review status: criteria provided, single submitter. Criteria: Invitae Variant Classification Sherloc (09022015). Collection method: clinical testing. Allele origin: germline.
Comment: This variant has not been reported in the literature in individuals affected with FAT4-related conditions. In summary, the available evidence is currently insufficient to determine the role of this variant in disease. Therefore, it has been classified as a Variant of Uncertain Significance. Advanced modeling of protein sequence and biophysical properties (such as structural, functional, and spatial information, amino acid conservation, physicochemical variation, residue mobility, and thermodynamic stability) performed at Invitae indicates that this missense variant is expected to disrupt FAT4 protein function. This variant is not present in population databases (gnomAD no frequency). This sequence change replaces isoleucine, which is neutral and non-polar, with threonine, which is neutral and polar, at codon 3355 of the FAT4 protein (p.Ile3355Thr).